The following is an entry in ClinVar:

NM_003590.5(CUL3):c.610G>T (p.Asp204Tyr)

Gene: CUL3 (cullin 3; minus strand). Cytogenetic location: 2q36.2.
Variant type: single nucleotide variant.
Coding change: c.610G>T on transcript NM_003590.5 (MANE Select); coding-DNA position 610, G replaced by T.
Protein change: p.Asp204Tyr; replaces aspartic acid 204 with tyrosine.
Molecular consequence: missense variant.
Genome position (GRCh38, 1-based): chr2:224,513,568, C>A on the plus strand (G>T on the coding strand, the complement: CUL3 is on the minus strand). VCF-style: chr2-224513568-C-A. GRCh37 (hg19) VCF-style: chr2-225378285-C-A.
Other names: c.412G>T, p.Asp138Tyr (NM_001257197.2); c.628G>T, p.Asp210Tyr (NM_001257198.2); short protein forms D138Y, D204Y, D210Y.
Identifiers: ClinVar variation 3368297 (VCV003368297.1).
Genomic context (GRCh38, chr2:224,513,568, plus strand): 5'-CATTTTCACGGATTACCTGAAAAAATTCTGCAGACATTTCCAAAAAAGGAGCCTCAAAAT[C>A]TTCTTCATAGACTGATCTTCCTTCGAGACCTAAAATCATTAACATCTGGCAAGCATTTCT-3'
Protein context (NP_003581.1, residues 194-214): GLEGRSVYEE[Asp204Tyr]FEAPFLEMSA

ClinVar aggregate classification (germline): Uncertain significance (1 of 4 stars; one submission).

Submission:

GeneDx
Classification: Uncertain significance. Last evaluated: 2024-01-23. Review status: criteria provided, single submitter. Criteria: GeneDx Variant Classification Process June 2021. Collection method: clinical testing. Allele origin: germline. Affected: yes.
Comment: Not observed at significant frequency in large population cohorts (gnomAD); In silico analysis supports that this missense variant has a deleterious effect on protein structure/function; Has not been previously published as pathogenic or benign to our knowledge